The following is an entry in ClinVar:

NM_002860.4(ALDH18A1):c.2200G>A (p.Gly734Arg)

Gene: ALDH18A1 (aldehyde dehydrogenase 18 family member A1; minus strand). Cytogenetic location: 10q24.1.
Variant type: single nucleotide variant.
Coding change: c.2200G>A on transcript NM_002860.4 (MANE Select); coding-DNA position 2200, G replaced by A.
Protein change: p.Gly734Arg; replaces glycine 734 with arginine.
Molecular consequence: missense variant.
Genome position (GRCh38, 1-based): chr10:95,610,203, C>T on the plus strand (G>A on the coding strand, the complement: ALDH18A1 is on the minus strand). VCF-style: chr10-95610203-C-T. GRCh37 (hg19) VCF-style: chr10-97369960-C-T.
Other names: c.2194G>A, p.Gly732Arg (NM_001017423.2, NM_001323415.2); c.1867G>A, p.Gly623Arg (NM_001323412.2, NM_001323416.2); c.2200G>A, p.Gly734Arg (NM_001323413.2, NM_001323414.2); c.2095G>A, p.Gly699Arg (NM_001323417.2); c.1861G>A, p.Gly621Arg (NM_001323418.2); c.1564G>A, p.Gly522Arg (NM_001323419.2); short protein forms G623R, G522R, G699R, G621R, G734R, G732R.
Identifiers: ClinVar variation 3108785 (VCV003108785.2), dbSNP rs2526695904, ClinGen allele CA377699568.

ClinVar aggregate classification (germline): Uncertain significance. Review status: criteria provided, multiple submitters, no conflicts (2 of 4 stars). 2 submissions from 2 submitters: Uncertain significance (2). Last evaluated 2024-05-13.

Conditions:
Inborn genetic diseases. Identifiers: MedGen C0950123, MeSH D030342.

Submissions (2):

GeneDx
Classification: Uncertain significance. Last evaluated: 2024-05-13. Review status: criteria provided, single submitter. Criteria: GeneDx Variant Classification Process June 2021. Collection method: clinical testing. Allele origin: germline. Affected: yes.
Comment: Not observed at significant frequency in large population cohorts (gnomAD); In silico analysis supports that this missense variant has a deleterious effect on protein structure/function; Has not been previously published as pathogenic or benign to our knowledge

Ambry Genetics
Classification: Uncertain significance for Inborn genetic diseases. Last evaluated: 2023-11-13. Review status: criteria provided, single submitter. Criteria: Ambry Variant Classification Scheme 2023. Collection method: clinical testing. Allele origin: germline.